The following is an entry in ClinVar:

NM_153460.4(IL17RC):c.465_465+1del

Gene: IL17RC (interleukin 17 receptor C; plus strand). Cytogenetic location: 3p25.3.
Variant type: Deletion.
Coding change: c.465_465+1del on transcript NM_153460.4 (MANE Select); coding-DNA position 465 through the canonical splice donor site of the intron after coding-DNA position 465, 2 bases deleted (GG; older notation c.465_465+1delGG).
Molecular consequence: splice donor variant.
Genome position (GRCh38, 1-based): chr3:9,918,609-9,918,610, GG deleted. VCF-style (leftmost placement, unchanged base first): chr3-9918608-TGG-T. GRCh37 (hg19) VCF-style: chr3-9960292-TGG-T.
Other names: c.678_678+1del (NM_153461.4); c.465_465+1del (NM_001203263.2, NM_001203264.2, NM_001367278.1 and 4 more transcripts); c.390_390+1del (NM_001367279.1).
Identifiers: ClinVar variation 4744040 (VCV004744040.1).

ClinVar aggregate classification (germline): Uncertain significance (1 of 4 stars; one submission).

Conditions:
Candidiasis, familial, 9 (CANDF9). Identifiers: Orphanet 1334, MedGen C4225324, MONDO:0014642, OMIM 616445.

Submission:

Labcorp Genetics (formerly Invitae), Labcorp
Classification: Uncertain significance for Candidiasis, familial, 9. Last evaluated: 2025-07-29. Review status: criteria provided, single submitter. Criteria: Invitae Variant Classification Sherloc (09022015). Collection method: clinical testing. Allele origin: germline.
Comment: This variant results in the deletion of part of exon 5 (c.678_678+1del) of the IL17RC gene. It is expected to disrupt RNA splicing. Variants that disrupt the donor or acceptor splice site typically lead to a loss of protein function (PMID: 16199547), however the current clinical and genetic evidence is not sufficient to establish whether loss-of-function variants in IL17RC cause disease. This variant is present in population databases (rs761199832, gnomAD 0.003%). This variant has not been reported in the literature in individuals affected with IL17RC-related conditions. Algorithms developed to predict the effect of sequence changes on RNA splicing suggest that this variant may disrupt the consensus splice site. In summary, the available evidence is currently insufficient to determine the role of this variant in disease. Therefore, it has been classified as a Variant of Uncertain Significance.

Literature cited by the submitters: PubMed 16199547.